The following is an entry in ClinVar:

NM_001376.5(DYNC1H1):c.8754C>T (p.His2918=)

Gene: DYNC1H1 (dynein cytoplasmic 1 heavy chain 1; plus strand). Cytogenetic location: 14q32.31.
Variant type: single nucleotide variant.
Coding change: c.8754C>T on transcript NM_001376.5 (MANE Select); coding-DNA position 8754, C replaced by T.
Protein change: p.His2918=; no amino-acid change (histidine 2918 retained).
Molecular consequence: synonymous variant.
Genome position (GRCh38, 1-based): chr14:102,026,690, C>T. VCF-style: chr14-102026690-C-T. GRCh37 (hg19) VCF-style: chr14-102493027-C-T.
Identifiers: ClinVar variation 539817 (VCV000539817.11), dbSNP rs758989267, ClinGen allele CA7353103.
Genomic context (GRCh38, chr14:102,026,690, plus strand): 5'-GGTCTTTTATGAAGAAGAACTTGATGTTCCGCTGGTGCTGTTTAATGAAGTCCTAGACCA[C>T]GTGCTGAGGATTGACAGGTGGGCTTTTTTGTTGTTACAGCCCCACCTCTCGCCTAAGCTG-3'
Protein context (NP_001367.2, residues 2908-2928): PLVLFNEVLD[His2918=]VLRIDRIFRQ

ClinVar aggregate classification (germline): Likely benign. Review status: criteria provided, multiple submitters, no conflicts (2 of 4 stars). 3 submissions from 3 submitters: Likely benign (2). 1 of the submissions does not count toward it. Last evaluated 2025-12-17.

Conditions:
Charcot-Marie-Tooth disease axonal type 2O. Also called: CHARCOT-MARIE-TOOTH NEUROPATHY, AXONAL, TYPE 2O; CHARCOT-MARIE-TOOTH DISEASE, AXONAL, AUTOSOMAL DOMINANT, TYPE 2O; Charcot-Marie-Tooth Neuropathy Type 2O; Charcot-Marie-Tooth disease, axonal, type 20. Identifiers: Orphanet 284232, MedGen C3280220, MONDO:0013644, OMIM 614228.
DYNC1H1-related disorder. Also called: DYNC1H1-related condition; DYNC1H1-related disorders. Identifiers: MedGen CN381529.
Inborn genetic diseases. Identifiers: MedGen C0950123, MeSH D030342.

Allele frequency attached by ClinVar (database versions not stated): gnomAD 0.00001; gnomAD exomes 0.00001 and 0.00007; TOPMed 0.00002; ExAC 0.00005.
gnomAD v4.1: 21 of 1,613,986 alleles (0.0013%); highest among the groups gnomAD compares: Admixed American, 0.02%; no homozygotes.

Submissions (3):

Labcorp Genetics (formerly Invitae), Labcorp
Classification: Likely benign for Charcot-Marie-Tooth disease axonal type 2O. Last evaluated: 2025-12-17. Review status: criteria provided, single submitter. Criteria: Invitae Variant Classification Sherloc (09022015). Collection method: clinical testing. Allele origin: germline.

Ambry Genetics
Classification: Likely benign for Inborn genetic diseases. Last evaluated: 2018-03-10. Review status: criteria provided, single submitter. Criteria: Ambry Variant Classification Scheme 2023. Collection method: clinical testing. Allele origin: germline.

PreventionGenetics, part of Exact Sciences
Classification: Likely benign for DYNC1H1-related condition. Last evaluated: 2021-01-04. Review status: no assertion criteria provided. Collection method: clinical testing. Allele origin: germline. Not counted in ClinVar's aggregate classification.
Comment: This variant is classified as likely benign based on ACMG/AMP sequence variant interpretation guidelines (Richards et al. 2015 PMID: 25741868, with internal and published modifications).